The following is an entry in ClinVar:

NM_000430.4(PAFAH1B1):c.987del (p.Met329fs)

Gene: PAFAH1B1 (platelet activating factor acetylhydrolase 1b regulatory subunit 1; plus strand). Cytogenetic location: 17p13.3.
Variant type: Deletion.
Coding change: c.987del on transcript NM_000430.4 (MANE Select); coding-DNA position 987, one base deleted (G; older notation c.987delG).
Protein change: p.Met329fs; shifts the reading frame from methionine 329.
Molecular consequence: frameshift variant.
Genome position (GRCh38, 1-based): chr17:2,676,591, G deleted. VCF-style (leftmost placement, unchanged base first): chr17-2676590-TG-T. GRCh37 (hg19) VCF-style: chr17-2579884-TG-T.
Other names: short protein forms M329fs.
Identifiers: ClinVar variation 3650211 (VCV003650211.2).

ClinVar aggregate classification (germline): Pathogenic (1 of 4 stars; one submission).

Submission:

Labcorp Genetics (formerly Invitae), Labcorp
Classification: Pathogenic. Last evaluated: 2024-04-17. Review status: criteria provided, single submitter. Criteria: Invitae Variant Classification Sherloc (09022015). Collection method: clinical testing. Allele origin: germline.
Comment: This sequence change creates a premature translational stop signal (p.Met329Ilefs*4) in the PAFAH1B1 gene. It is expected to result in an absent or disrupted protein product. Loss-of-function variants in PAFAH1B1 are known to be pathogenic (PMID: 1671808, 11115846, 14581661). This variant is not present in population databases (gnomAD no frequency). This variant has not been reported in the literature in individuals affected with PAFAH1B1-related conditions. For these reasons, this variant has been classified as Pathogenic.

Literature cited by the submitters: PubMed 1671808; PubMed 11115846; PubMed 14581661.